The following is an entry in ClinVar:

NM_001042492.3(NF1):c.2001+1G>A

Gene: NF1 (neurofibromin 1; plus strand). Cytogenetic location: 17q11.2.
Variant type: single nucleotide variant.
Coding change: c.2001+1G>A on transcript NM_001042492.3 (MANE Select); the canonical splice donor site of the intron after coding-DNA position 2001, G replaced by A.
Molecular consequence: splice donor variant.
Genome position (GRCh38, 1-based): chr17:31,225,251, G>A. VCF-style: chr17-31225251-G-A. GRCh37 (hg19) VCF-style: chr17-29552269-G-A.
Other names: c.2001+1G>A (NM_000267.4).
Identifiers: ClinVar variation 956590 (VCV000956590.7), dbSNP rs2066994053, ClinGen allele CA399005653.

ClinVar aggregate classification (germline): Likely pathogenic (1 of 4 stars; one submission).

Conditions:
Neurofibromatosis, type 1 (NF1). Also called: Peripheral type neurofibromatosis; VON RECKLINGHAUSEN DISEASE; NEUROFIBROMATOSIS, TYPE I, SOMATIC; Neurofibromatosis, type I. Identifiers: Orphanet 636, MedGen C0027831, MONDO:0018975, OMIM 162200. Disease mechanism: loss of function.

Submission:

Labcorp Genetics (formerly Invitae), Labcorp
Classification: Likely pathogenic for Neurofibromatosis, type 1. Last evaluated: 2025-02-23. Review status: criteria provided, single submitter. Criteria: Invitae Variant Classification Sherloc (09022015). Collection method: clinical testing. Allele origin: germline.
Comment: This sequence change affects a donor splice site in intron 17 of the NF1 gene. It is expected to disrupt RNA splicing. Variants that disrupt the donor or acceptor splice site typically lead to a loss of protein function (PMID: 16199547), and loss-of-function variants in NF1 are known to be pathogenic (PMID: 10712197, 23913538). This variant is not present in population databases (gnomAD no frequency). This variant has not been reported in the literature in individuals affected with NF1-related conditions. ClinVar contains an entry for this variant (Variation ID: 956590). Algorithms developed to predict the effect of sequence changes on RNA splicing suggest that this variant may disrupt the consensus splice site. In summary, the currently available evidence indicates that the variant is pathogenic, but additional data are needed to prove that conclusively. Therefore, this variant has been classified as Likely Pathogenic.

Literature cited by the submitters: PubMed 16199547; PubMed 10712197; PubMed 23913538.